The following is an entry in ClinVar:

ClinVar aggregate classification (germline): Benign. Review status: criteria provided, multiple submitters, no conflicts (2 of 4 stars). 7 submissions from 7 submitters: Benign (7). Last evaluated 2026-02-04.

Conditions:
RASopathy. Also called: rasopathies; Noonan spectrum disorder. Identifiers: Orphanet 536391, MedGen C5555857, MONDO:0021060.

Submissions (7):

Labcorp Genetics (formerly Invitae), Labcorp
Classification: Benign for RASopathy. Last evaluated: 2026-02-04. Review status: criteria provided, single submitter. Criteria: Invitae Variant Classification Sherloc (09022015). Collection method: clinical testing. Allele origin: germline.

ARUP Laboratories, Molecular Genetics and Genomics, ARUP Laboratories
Classification: Benign. Last evaluated: 2025-06-05. Review status: criteria provided, single submitter. Criteria: ARUP Molecular Germline Variant Investigation Process 2024. Collection method: clinical testing. Allele origin: germline.

Blueprint Genetics
Classification: Benign. Last evaluated: 2024-11-18. Review status: criteria provided, single submitter. Criteria: ACMG Guidelines, 2015. Collection method: clinical testing. Allele origin: germline.

Women's Health and Genetics/Laboratory Corporation of America, LabCorp
Classification: Benign. Last evaluated: 2019-08-19. Review status: criteria provided, single submitter. Criteria: LabCorp Variant Classification Summary - May 2015. Collection method: clinical testing. Allele origin: germline.
Comment: Variant summary: RAF1 c.321-14dupT alters a non-conserved nucleotide located close to a canonical splice site and therefore could affect mRNA splicing, leading to a significantly altered protein sequence. 5/5 computational tools predict no significant impact on normal splicing. However, these predictions have yet to be confirmed by functional studies. The variant allele was found at a frequency of 0.0088 in 281456 control chromosomes in the gnomAD database, including 81 homozygotes. The observed variant frequency is approximately 350 fold of the estimated maximal expected allele frequency for a pathogenic variant in RAF1 causing Noonan Syndrome and Related Conditions phenotype (2.5e-05), strongly suggesting that the variant is benign. To our knowledge, no occurrence of c.321-14dupT in individuals affected with Noonan Syndrome and Related Conditions and no experimental evidence demonstrating its impact on protein function have been reported. Three submitters have provided clinical-significance assessments for this variant to ClinVar after 2014 without evidence for independent evaluation (2x benign and 1x likely benign). Based on the evidence outlined above, the variant was classified as benign.

GeneDx
Classification: Benign. Last evaluated: 2018-05-31. Review status: criteria provided, single submitter. Criteria: GeneDx Variant Classification (06012015). Collection method: clinical testing. Allele origin: germline. Affected: yes.
Comment: This variant is considered likely benign or benign based on one or more of the following criteria: it is a conservative change, it occurs at a poorly conserved position in the protein, it is predicted to be benign by multiple in silico algorithms, and/or has population frequency not consistent with disease.

Laboratory for Molecular Medicine, Mass General Brigham Personalized Medicine
Classification: Benign. Last evaluated: 2015-03-21. Review status: criteria provided, single submitter. Criteria: LMM Criteria. Collection method: clinical testing. Allele origin: germline. Observed: 22 variant alleles.
Comment: c.321-14_321-13insT in intron 3 of RAF1: This variant is not expected to have cl inical significance because it has been identified in 6.7% (573/8544) of East As ian chromosomes by the Exome Aggregation Consortium (ExAC; dbSNP rs202103447).

PreventionGenetics, part of Exact Sciences
Classification: Benign. Review status: criteria provided, single submitter. Criteria: ACMG Guidelines, 2015. Collection method: clinical testing. Allele origin: germline.

NM_002880.4(RAF1):c.321-14dup

Gene: RAF1 (Raf-1 proto-oncogene, serine/threonine kinase; minus strand). Cytogenetic location: 3p25.2.
Variant type: Duplication.
Coding change: c.321-14dup on transcript NM_002880.4 (MANE Select); 14 bases into the intron before coding-DNA position 321, one base duplicated (T; older notation c.321-14dupT).
Molecular consequence: intron variant.
Genome position (GRCh38, 1-based): chr3:12,609,349, A duplicated on the plus strand (T on the coding strand, the reverse complement: RAF1 is on the minus strand); the first of 8 consecutive A bases (chr3:12,609,349-12,609,356); duplicating any one gives the same sequence. VCF-style (leftmost placement, unchanged base first): chr3-12609348-T-TA. GRCh37 (hg19) VCF-style: chr3-12650847-T-TA.
Other names: c.78-14dup (NM_001354695.3, NM_001354692.3, NM_001354694.3 and 1 more transcripts); c.321-14dup (NM_001354693.3, NM_001354689.3, NM_001354690.3); c.321-14dupT (NM_002880.3).
Identifiers: ClinVar variation 44625 (VCV000044625.26), dbSNP rs202103447, ClinGen allele CA134727.